The following is an entry in ClinVar:

NM_002528.7(NTHL1):c.1A>T (p.Met1Leu)

Gene: NTHL1 (nth like DNA glycosylase 1; minus strand). Cytogenetic location: 16p13.3.
Variant type: single nucleotide variant.
Coding change: c.1A>T on transcript NM_002528.7 (MANE Select); coding-DNA position 1, A replaced by T.
Protein change: p.Met1Leu; changes the start codon (methionine 1).
Molecular consequence: missense variant, initiator codon variant. On other transcripts: 5 prime UTR variant (1).
Genome position (GRCh38, 1-based): chr16:2,047,823, T>A on the plus strand (A>T on the coding strand, the complement: NTHL1 is on the minus strand). VCF-style: chr16-2047823-T-A. GRCh37 (hg19) VCF-style: chr16-2097824-T-A.
Other names: c.1A>T, p.Met1Leu (NM_001318193.2); c.-178A>T (NM_001318194.2); short protein forms M1L.
Identifiers: ClinVar variation 1064141 (VCV001064141.9), dbSNP rs1277993259, ClinGen allele CA394298742.
Genomic context (GRCh38, chr16:2,047,823, plus strand): 5'-GCCCAGCCCCGGGTCCCAGGCTCCGGCTCCGGGTCAGCATCCTCGCGCTCAAGGCGGTCA[T>A]GCCGGACTCCTGCGGACTACACATCCCGGCGGCCCATGCGGCCCCGTCACGTGATGCAAG-3'
Protein context (NP_002519.2, residues 1-11): [Met1Leu]TALSARMLTR

ClinVar aggregate classification (germline): Uncertain significance (1 of 4 stars; one submission).

Submission:

Labcorp Genetics (formerly Invitae), Labcorp
Classification: Uncertain significance. Last evaluated: 2022-10-11. Review status: criteria provided, single submitter. Criteria: Invitae Variant Classification Sherloc (09022015). Collection method: clinical testing. Allele origin: germline.
Comment: In summary, the available evidence is currently insufficient to determine the role of this variant in disease. Therefore, it has been classified as a Variant of Uncertain Significance. Algorithms developed to predict the effect of missense changes on protein structure and function are either unavailable or do not agree on the potential impact of this missense change (SIFT: "Not Available"; PolyPhen-2: "Benign"; Align-GVGD: "Not Available"). ClinVar contains an entry for this variant (Variation ID: 1064141). This variant has not been reported in the literature in individuals affected with NTHL1-related conditions. This variant is not present in population databases (gnomAD no frequency). This sequence change replaces methionine, which is neutral and non-polar, with leucine, which is neutral and non-polar, at codon 9 of the NTHL1 protein (p.Met9Leu).